The following is an entry in ClinVar:

ClinVar aggregate classification (germline): Conflicting classifications of pathogenicity. Review status: criteria provided, conflicting classifications (1 of 4 stars). 4 submissions from 3 submitters: Uncertain significance (2); Likely benign (2). Last evaluated 2024-08-13.

Conditions:
Familial hypercholesterolemia. Also called: Familial hypercholesterolemias; Familial hypercholesterolaemia. Identifiers: MedGen C0020445, MONDO:0005439.
Hypobetalipoproteinemia. Identifiers: Orphanet 31154, MedGen C0020597, MONDO:0017774.
Hypercholesterolemia, autosomal dominant, 3 (FHCL3). Also called: PCSK9-Related Familial Hypercholesterolemia, Autosomal Dominant; Familial Hypercholesterolemia, Autosomal Dominant, 3; Familial hypercholesterolemia 3. Identifiers: MedGen C1863551, MONDO:0011369, OMIM 603776.

Allele frequency attached by ClinVar (database versions not stated): gnomAD exomes below 0.00001; gnomAD 0.00001.
gnomAD v4.1: 6 of 1,564,610 alleles (0.00038%); highest among the groups gnomAD compares: Middle Eastern, 0.033%; no homozygotes.

Submissions (4):

Labcorp Genetics (formerly Invitae), Labcorp
Classification: Likely benign for Hypercholesterolemia, autosomal dominant, 3. Last evaluated: 2024-08-13. Review status: criteria provided, single submitter. Criteria: Invitae Variant Classification Sherloc (09022015). Collection method: clinical testing. Allele origin: germline.

Color Diagnostics, LLC DBA Color Health
Classification: Likely benign for Familial hypercholesterolemia. Last evaluated: 2019-01-07. Review status: criteria provided, single submitter. Criteria: ACMG Guidelines, 2015. Collection method: clinical testing. Allele origin: germline.

Illumina Laboratory Services, Illumina
Classification: Uncertain significance for Hypobetalipoproteinemia. Last evaluated: 2017-04-27. Review status: criteria provided, single submitter. Criteria: ICSL Variant Classification Criteria 13 December 2019. Collection method: clinical testing. Allele origin: germline.

Illumina Laboratory Services, Illumina
Classification: Uncertain significance for Hypercholesterolemia, autosomal dominant, 3. Last evaluated: 2017-04-27. Review status: criteria provided, single submitter. Criteria: ICSL Variant Classification Criteria 13 December 2019. Collection method: clinical testing. Allele origin: germline.
Comment: This variant was observed as part of a predisposition screen in an ostensibly healthy population. A literature search was performed for the gene, cDNA change, and amino acid change (where applicable). Publications were found based on this search. However, the evidence from the literature, in combination with allele frequency data from public databases where available, was not sufficient to rule this variant in or out of causing disease. Therefore, this variant is classified as a variant of unknown significance.

Literature cited by the submitters: PubMed 24785115 (cited by Illumina Laboratory Services, Illumina).

NM_174936.4(PCSK9):c.1515C>A (p.Gly505=)

Gene: PCSK9 (proprotein convertase subtilisin/kexin type 9; plus strand). Cytogenetic location: 1p32.3.
Variant type: single nucleotide variant.
Coding change: c.1515C>A on transcript NM_174936.4 (MANE Select); coding-DNA position 1515, C replaced by A.
Protein change: p.Gly505=; no amino-acid change (glycine 505 retained).
Molecular consequence: synonymous variant. On other transcripts: non-coding transcript variant (7), intron variant (1).
Genome position (GRCh38, 1-based): chr1:55,059,497, C>A. VCF-style: chr1-55059497-C-A. GRCh37 (hg19) VCF-style: chr1-55525170-C-A.
Other names: c.1638C>A, p.Gly546= (NM_001407240.1); c.1557C>A, p.Gly519= (NM_001407241.1); c.1518C>A, p.Gly506= (NM_001407242.1); c.1458C>A, p.Gly486= (NM_001407243.1); c.1341C>A, p.Gly447= (NM_001407244.1); c.1323C>A, p.Gly441= (NM_001407245.1); c.1140C>A, p.Gly380= (NM_001407246.1); c.1181-1878C>A (NM_001407247.1).
Identifiers: ClinVar variation 874601 (VCV000874601.9), dbSNP rs1042826452, ClinGen allele CA22765453.